The following is an entry in ClinVar:

ClinVar aggregate classification (germline): Likely benign (0 of 4 stars; one submission).

Conditions:
NR1I3-related disorder. Also called: NR1I3-related condition.

Allele frequency attached by ClinVar (database versions not stated): ESP Exome Variant Server 0.00041; 1000 Genomes Project 30x 0.00047; 1000 Genomes Project 0.00060; TOPMed 0.00061; gnomAD exomes 0.00120; ExAC 0.00188; gnomAD 0.00188.
gnomAD v4.1: 2,016 of 1,613,932 alleles (0.12%); highest among the groups gnomAD compares: Non-Finnish European, 0.08%; 15 homozygotes.

Submission:

PreventionGenetics, part of Exact Sciences
Classification: Likely benign for NR1I3-related condition. Last evaluated: 2019-05-02. Review status: no assertion criteria provided. Collection method: clinical testing. Allele origin: germline.
Comment: This variant is classified as likely benign based on ACMG/AMP sequence variant interpretation guidelines (Richards et al. 2015 PMID: 25741868, with internal and published modifications).

NM_005122.5(NR1I3):c.-43A>G

Gene: NR1I3 (nuclear receptor subfamily 1 group I member 3; minus strand). Cytogenetic location: 1q23.3.
Variant type: single nucleotide variant.
Coding change: c.-43A>G on transcript NM_005122.5 (MANE Select); 43 bases upstream of the start codon, A replaced by G.
Molecular consequence: 5 prime UTR variant. On other transcripts: missense variant (7).
Genome position (GRCh38, 1-based): chr1:161,238,050, T>C on the plus strand (A>G on the coding strand, the complement: NR1I3 is on the minus strand). VCF-style: chr1-161238050-T-C. GRCh37 (hg19) VCF-style: chr1-161207840-T-C.
Other names: c.-43A>G (NM_001077469.3, NM_001077471.3, NM_001077474.3 and 4 more transcripts); c.11A>G, p.Lys4Arg (NM_001077470.3, NM_001077472.3, NM_001077473.3 and 4 more transcripts); short protein forms K4R.
Identifiers: ClinVar variation 3037402 (VCV003037402.2), dbSNP rs188975149, ClinGen allele CA1209955.